The following is an entry in ClinVar:

ClinVar aggregate classification (germline): Likely benign. Review status: reviewed by expert panel (3 of 4 stars). 2 submissions from 2 submitters: Likely benign (1). 1 of the submissions does not count toward it. Last evaluated 2017-06-29.

Conditions:
Breast-ovarian cancer, familial, susceptibility to, 2 (BROVCA2). Also called: BRCA2 Hereditary Breast and Ovarian Cancer. Identifiers: Orphanet 145, MedGen C2675520, MONDO:0012933, OMIM 612555. Disease mechanism: loss of function.
Hereditary breast ovarian cancer syndrome. Also called: Hereditary breast and ovarian cancer syndrome; BRCA1- and BRCA2-Associated Hereditary Breast and Ovarian Cancer; Hereditary breast and/or ovarian cancer syndrome; Hereditary breast and ovarian cancer; Breast and ovarian cancer; Hereditary breast and ovarian cancer syndrome (HBOC). Identifiers: Orphanet 145, MedGen C0677776, MeSH D061325, MONDO:0003582. Disease mechanism: loss of function.

Allele frequency attached by ClinVar (database versions not stated): gnomAD 0.00003.
gnomAD v4.1: 2 of 1,613,498 alleles (0.00012%); highest among the groups gnomAD compares: Non-Finnish European, 0.00017%; no homozygotes.

Submissions (2):

Evidence-based Network for the Interpretation of Germline Mutant Alleles (ENIGMA)
Classification: Likely benign for Breast-ovarian cancer, familial, susceptibility to, 2. Last evaluated: 2017-06-29. Review status: reviewed by expert panel. Criteria: ENIGMA BRCA1/2 Classification Criteria (2017-06-29). Collection method: curation. Allele origin: germline.
Comment: Synonymous substitution variant, with low bioinformatic likelihood to result in a splicing aberration (Splicing prior probability 0.02).

Labcorp Genetics (formerly Invitae), Labcorp
Classification: Likely benign for Hereditary breast ovarian cancer syndrome. Last evaluated: 2020-07-10. Review status: criteria provided, single submitter. Criteria: Invitae Variant Classification Sherloc (09022015). Collection method: clinical testing. Allele origin: germline. Not counted in ClinVar's aggregate classification.

NM_000059.4(BRCA2):c.6132C>T (p.Gly2044=)

Gene: BRCA2 (BRCA2 DNA repair associated; plus strand). Cytogenetic location: 13q13.1.
Variant type: single nucleotide variant.
Coding change: c.6132C>T on transcript NM_000059.4 (MANE Select); coding-DNA position 6132, C replaced by T.
Protein change: p.Gly2044=; no amino-acid change (glycine 2044 retained).
Molecular consequence: synonymous variant.
Genome position (GRCh38, 1-based): chr13:32,340,487, C>T. VCF-style: chr13-32340487-C-T. GRCh37 (hg19) VCF-style: chr13-32914624-C-T.
Identifiers: ClinVar variation 427380 (VCV000427380.11), dbSNP rs1057520745, ClinGen allele CA483439212.